The following is an entry in ClinVar:

NM_012435.3(SHC2):c.483C>T (p.Ile161=)

Gene: SHC2 (SHC adaptor protein 2; minus strand). Cytogenetic location: 19p13.3.
Variant type: single nucleotide variant.
Coding change: c.483C>T on transcript NM_012435.3 (MANE Select); coding-DNA position 483, C replaced by T.
Protein change: p.Ile161=; no amino-acid change (isoleucine 161 retained).
Molecular consequence: synonymous variant.
Genome position (GRCh38, 1-based): chr19:440,918, G>A on the plus strand (C>T on the coding strand, the complement: SHC2 is on the minus strand). VCF-style: chr19-440918-G-A. GRCh37 (hg19) VCF-style: chr19-440918-G-A.
Other names: c.483C>T, p.Ile161= (NM_001387056.1).
Identifiers: ClinVar variation 2648845 (VCV002648845.24), dbSNP rs61754498, ClinGen allele CA9015826.

ClinVar aggregate classification (germline): Likely benign (1 of 4 stars; one submission).

Allele frequency attached by ClinVar (database versions not stated): 1000 Genomes Project 0.00300; 1000 Genomes Project 30x 0.00328; ESP Exome Variant Server 0.00390; ExAC 0.00395; gnomAD 0.00476; TOPMed 0.00494; gnomAD exomes 0.00509.
gnomAD v4.1: 8,160 of 1,612,356 alleles (0.51%); highest among the groups gnomAD compares: Middle Eastern, 0.61%; 32 homozygotes.

Submission:

CeGaT Center for Human Genetics Tuebingen
Classification: Likely benign. Last evaluated: 2023-03-01. Review status: criteria provided, single submitter. Criteria: CeGaT Center For Human Genetics Tuebingen Variant Classification Criteria Version 2. Collection method: clinical testing. Allele origin: germline. Affected: yes. Observed: 1 variant allele.
Comment: SHC2: BP4, BP7, BS2